The following is an entry in ClinVar:

ClinVar aggregate classification (germline): Conflicting classifications of pathogenicity. Review status: criteria provided, conflicting classifications (1 of 4 stars). 2 submissions from 2 submitters: Uncertain significance (1); Likely benign (1). Last evaluated 2025-06-09.

Conditions:
Inborn genetic diseases. Identifiers: MedGen C0950123, MeSH D030342.

Allele frequency attached by ClinVar (database versions not stated): gnomAD exomes below 0.00001; gnomAD 0.00001; TOPMed 0.00004.
gnomAD v4.1: 5 of 1,613,914 alleles (0.00031%); highest among the groups gnomAD compares: Admixed American, 0.0083%; no homozygotes.

Submissions (2):

Labcorp Genetics (formerly Invitae), Labcorp
Classification: Uncertain significance. Last evaluated: 2025-06-09. Review status: criteria provided, single submitter. Criteria: Invitae Variant Classification Sherloc (09022015). Collection method: clinical testing. Allele origin: germline.
Comment: This sequence change replaces valine, which is neutral and non-polar, with isoleucine, which is neutral and non-polar, at codon 700 of the EPAS1 protein (p.Val700Ile). This variant is present in population databases (no rsID available, gnomAD 0.006%). This variant has not been reported in the literature in individuals affected with EPAS1-related conditions. ClinVar contains an entry for this variant (Variation ID: 1785828). An algorithm developed to predict the effect of missense changes on protein structure and function outputs the following: PolyPhen-2: "Benign". The isoleucine amino acid residue is found in multiple mammalian species, which suggests that this missense change does not adversely affect protein function. In summary, the available evidence is currently insufficient to determine the role of this variant in disease. Therefore, it has been classified as a Variant of Uncertain Significance.

Ambry Genetics
Classification: Likely benign for Inborn genetic diseases. Last evaluated: 2022-09-28. Review status: criteria provided, single submitter. Criteria: Ambry Variant Classification Scheme 2023. Collection method: clinical testing. Allele origin: germline.

NM_001430.5(EPAS1):c.2098G>A (p.Val700Ile)

Gene: EPAS1 (endothelial PAS domain protein 1; plus strand). Cytogenetic location: 2p21.
Variant type: single nucleotide variant.
Coding change: c.2098G>A on transcript NM_001430.5 (MANE Select); coding-DNA position 2098, G replaced by A.
Protein change: p.Val700Ile; replaces valine 700 with isoleucine.
Molecular consequence: missense variant.
Genome position (GRCh38, 1-based): chr2:46,381,648, G>A. VCF-style: chr2-46381648-G-A. GRCh37 (hg19) VCF-style: chr2-46608787-G-A.
Other names: short protein forms V700I.
Identifiers: ClinVar variation 1785828 (VCV001785828.3), dbSNP rs1456606052, ClinGen allele CA346705525.
Genomic context (GRCh38, chr2:46,381,648, plus strand): 5'-CTTGGCAGGTCTGCAAAGGGTTTTGGGGCTCGAGGCCCAGACGTGCTGAGTCCGGCCATG[G>A]TAGCCCTCTCCAACAAGCTGAAGCTGAAGCGACAGCTGGAGTATGAAGAGCAAGCCTTCC-3'
Protein context (NP_001421.2, residues 690-710): RGPDVLSPAM[Val700Ile]ALSNKLKLKR